The following is an entry in ClinVar:

ClinVar aggregate classification (germline): Uncertain significance (1 of 4 stars; one submission).

Allele frequency attached by ClinVar (database versions not stated): ExAC 0.00001; gnomAD exomes 0.00001.
gnomAD v4.1: 6 of 1,599,312 alleles (0.00038%); highest among the groups gnomAD compares: Admixed American, 0.011%; no homozygotes.

Submission:

Labcorp Genetics (formerly Invitae), Labcorp
Classification: Uncertain significance. Last evaluated: 2023-04-24. Review status: criteria provided, single submitter. Criteria: Invitae Variant Classification Sherloc (09022015). Collection method: clinical testing. Allele origin: germline.
Comment: This variant has not been reported in the literature in individuals affected with POLR1A-related conditions. ClinVar contains an entry for this variant (Variation ID: 1896483). Advanced modeling of protein sequence and biophysical properties (such as structural, functional, and spatial information, amino acid conservation, physicochemical variation, residue mobility, and thermodynamic stability) performed at Invitae indicates that this missense variant is not expected to disrupt POLR1A protein function. Algorithms developed to predict the effect of sequence changes on RNA splicing suggest that this variant may create or strengthen a splice site. In summary, the available evidence is currently insufficient to determine the role of this variant in disease. Therefore, it has been classified as a Variant of Uncertain Significance. This variant is present in population databases (rs781009994, gnomAD 0.01%). This sequence change replaces serine, which is neutral and polar, with glycine, which is neutral and non-polar, at codon 376 of the POLR1A protein (p.Ser376Gly).

NM_015425.6(POLR1A):c.1126A>G (p.Ser376Gly)

Gene: POLR1A (RNA polymerase I subunit A; minus strand). Cytogenetic location: 2p11.2.
Variant type: single nucleotide variant.
Coding change: c.1126A>G on transcript NM_015425.6 (MANE Select); coding-DNA position 1126, A replaced by G.
Protein change: p.Ser376Gly; replaces serine 376 with glycine.
Molecular consequence: missense variant.
Genome position (GRCh38, 1-based): chr2:86,078,245, T>C on the plus strand (A>G on the coding strand, the complement: POLR1A is on the minus strand). VCF-style: chr2-86078245-T-C. GRCh37 (hg19) VCF-style: chr2-86305368-T-C.
Other names: short protein forms S376G.
Identifiers: ClinVar variation 1896483 (VCV001896483.5), dbSNP rs781009994, ClinGen allele CA1746430.
Genomic context (GRCh38, chr2:86,078,245, plus strand): 5'-TCTGAAGGCGAATCCAAATGTTGTAAAGTTTGTCTATGAGGGACTGGCCTGGAAGTGTAC[T>C]CAAAAAGGATCGGTCAATAGCAATCAAAGAGTCTTTTTCCTGGAAGATGAAACCAAGAAA-3'
Protein context (NP_056240.2, residues 366-386): SLIAIDRSFL[Ser376Gly]TLPGQSLIDK